The following is an entry in ClinVar:

ClinVar aggregate classification (germline): Likely pathogenic (1 of 4 stars; one submission).

Conditions:
Cardiovascular phenotype. Identifiers: MedGen CN230736.

Submission:

Ambry Genetics
Classification: Likely pathogenic for Cardiovascular phenotype. Last evaluated: 2025-08-21. Review status: criteria provided, single submitter. Criteria: Ambry Variant Classification Scheme 2023. Collection method: clinical testing. Allele origin: germline.
Comment: The c.1342-1G>C intronic variant results from a G to C substitution one nucleotide before coding exon 7 of the ALMS1 gene. This variant is considered to be rare based on population cohorts in the Genome Aggregation Database (gnomAD). This nucleotide position is not well conserved in available vertebrate species. In silico splice site analysis predicts that this alteration will weaken the native splice acceptor site and may result in the creation or strengthening of a novel splice acceptor site. Alterations that disrupt the canonical splice site are expected to cause aberrant splicing, resulting in an abnormal protein or a transcript that is subject to nonsense-mediated mRNA decay. As such, this alteration is classified as likely pathogenic.

NM_001378454.1(ALMS1):c.1339-1G>C

Gene: ALMS1 (ALMS1 centrosome and basal body associated protein; plus strand). Cytogenetic location: 2p13.1.
Variant type: single nucleotide variant.
Coding change: c.1339-1G>C on transcript NM_001378454.1 (MANE Select); the canonical splice acceptor site of the intron before coding-DNA position 1339, G replaced by C.
Molecular consequence: splice acceptor variant.
Genome position (GRCh38, 1-based): chr2:73,432,197, G>C. VCF-style: chr2-73432197-G-C. GRCh37 (hg19) VCF-style: chr2-73659325-G-C.
Other names: c.1339-1G>C (NM_015120.4); c.1342-1G>C (NM_015120.4).
Identifiers: ClinVar variation 4275260 (VCV004275260.1).